The following is an entry in ClinVar:

NM_016123.4(IRAK4):c.528C>A (p.Val176=)

Gene: IRAK4 (interleukin 1 receptor associated kinase 4; plus strand). Cytogenetic location: 12q12.
Variant type: single nucleotide variant.
Coding change: c.528C>A on transcript NM_016123.4 (MANE Select); coding-DNA position 528, C replaced by A.
Protein change: p.Val176=; no amino-acid change (valine 176 retained).
Molecular consequence: synonymous variant. On other transcripts: nonsense (2).
Genome position (GRCh38, 1-based): chr12:43,772,949, C>A. VCF-style: chr12-43772949-C-A. GRCh37 (hg19) VCF-style: chr12-44166752-C-A.
Other names: c.528C>A, p.Val176= (NM_001114182.3, NM_001351345.2); c.156C>A, p.Val52= (NM_001145256.2, NM_001145257.2, NM_001145258.2 and 5 more transcripts); c.5C>A, p.Ser2Ter (NM_001351343.2, NM_001351344.2); c.5C>A (NM_001351344.1); short protein forms S2*.
Identifiers: ClinVar variation 2155818 (VCV002155818.5), dbSNP rs776810085, ClinGen allele CA6522400.

ClinVar aggregate classification (germline): Likely benign. Review status: criteria provided, multiple submitters, no conflicts (2 of 4 stars). 2 submissions from 2 submitters: Likely benign (2). Last evaluated 2025-06-08.

Conditions:
IRAK4-related disorder. Also called: IRAK4-related condition.
Immunodeficiency 67. Also called: Immunodeficiency due to interleukin-1 receptor-associated kinase-4 deficiency. Identifiers: Orphanet 70592, MedGen C1843256, MONDO:0011888, OMIM 607676.

Allele frequency attached by ClinVar (database versions not stated): ExAC 0.00001; gnomAD 0.00001; gnomAD exomes 0.00001.
gnomAD v4.1: 12 of 1,610,100 alleles (0.00075%); highest among the groups gnomAD compares: South Asian, 0.0011%; no homozygotes.

Submissions (2):

Labcorp Genetics (formerly Invitae), Labcorp
Classification: Likely benign for Immunodeficiency 67. Last evaluated: 2025-06-08. Review status: criteria provided, single submitter. Criteria: Invitae Variant Classification Sherloc (09022015). Collection method: clinical testing. Allele origin: germline.

PreventionGenetics, part of Exact Sciences
Classification: Likely benign for IRAK4-related condition. Last evaluated: 2024-11-04. Review status: criteria provided, single submitter. Criteria: ACMG Guidelines, 2015. Collection method: clinical testing. Allele origin: germline.
Comment: This variant is classified as likely benign based on ACMG/AMP sequence variant interpretation guidelines (Richards et al. 2015 PMID: 25741868, with internal and published modifications).